The following is an entry in ClinVar:

NM_004260.4(RECQL4):c.730G>A (p.Glu244Lys)

Gene: RECQL4 (RecQ like helicase 4; minus strand). Cytogenetic location: 8q24.3.
Variant type: single nucleotide variant.
Coding change: c.730G>A on transcript NM_004260.4 (MANE Select); coding-DNA position 730, G replaced by A.
Protein change: p.Glu244Lys; replaces glutamic acid 244 with lysine.
Molecular consequence: missense variant.
Genome position (GRCh38, 1-based): chr8:144,516,389, C>T on the plus strand (G>A on the coding strand, the complement: RECQL4 is on the minus strand). VCF-style: chr8-144516389-C-T. GRCh37 (hg19) VCF-style: chr8-145741773-C-T.
Other names: short protein forms E244K.
Identifiers: ClinVar variation 846367 (VCV000846367.5), dbSNP rs756213173, ClinGen allele CA4949196.

ClinVar aggregate classification (germline): Uncertain significance (1 of 4 stars; one submission).

Conditions:
Baller-Gerold syndrome (BGS). Also called: CRANIOSYNOSTOSIS WITH RADIAL DEFECTS. Identifiers: Orphanet 1225, MedGen C0265308, MONDO:0009039, OMIM 218600.

Allele frequency attached by ClinVar (database versions not stated): gnomAD exomes 0.00001; ExAC 0.00002.

Submission:

Labcorp Genetics (formerly Invitae), Labcorp
Classification: Uncertain significance for Baller-Gerold syndrome. Last evaluated: 2023-11-08. Review status: criteria provided, single submitter. Criteria: Invitae Variant Classification Sherloc (09022015). Collection method: clinical testing. Allele origin: germline.
Comment: This sequence change replaces glutamic acid, which is acidic and polar, with lysine, which is basic and polar, at codon 244 of the RECQL4 protein (p.Glu244Lys). This variant is present in population databases (rs756213173, gnomAD 0.007%). This variant has not been reported in the literature in individuals affected with RECQL4-related conditions. ClinVar contains an entry for this variant (Variation ID: 846367). Advanced modeling of protein sequence and biophysical properties (such as structural, functional, and spatial information, amino acid conservation, physicochemical variation, residue mobility, and thermodynamic stability) performed at Invitae indicates that this missense variant is not expected to disrupt RECQL4 protein function with a negative predictive value of 80%. In summary, the available evidence is currently insufficient to determine the role of this variant in disease. Therefore, it has been classified as a Variant of Uncertain Significance.